The following is an entry in ClinVar:

NM_020163.3(SEMA3G):c.*2A>G

Gene: SEMA3G (semaphorin 3G; minus strand). Cytogenetic location: 3p21.1.
Variant type: single nucleotide variant.
Coding change: c.*2A>G on transcript NM_020163.3 (MANE Select); 2 bases downstream of the stop codon, A replaced by G.
Molecular consequence: 3 prime UTR variant.
Genome position (GRCh38, 1-based): chr3:52,435,601, T>C on the plus strand (A>G on the coding strand, the complement: SEMA3G is on the minus strand). VCF-style: chr3-52435601-T-C. GRCh37 (hg19) VCF-style: chr3-52469617-T-C.
Identifiers: ClinVar variation 3355952 (VCV003355952.1).

ClinVar aggregate classification (germline): Likely benign (0 of 4 stars; one submission).

Conditions:
SEMA3G-related disorder. Also called: SEMA3G-related condition.

Submission:

PreventionGenetics, part of Exact Sciences
Classification: Likely benign for SEMA3G-related condition. Last evaluated: 2023-01-30. Review status: no assertion criteria provided. Collection method: clinical testing. Allele origin: germline.
Comment: This variant is classified as likely benign based on ACMG/AMP sequence variant interpretation guidelines (Richards et al. 2015 PMID: 25741868, with internal and published modifications).